The following is an entry in ClinVar:

ClinVar aggregate classification (germline): Uncertain significance (1 of 4 stars; one submission).

Allele frequency attached by ClinVar (database versions not stated): TOPMed below 0.00001; gnomAD 0.00001; gnomAD exomes 0.00001.
gnomAD v4.1: 17 of 1,613,920 alleles (0.0011%); highest among the groups gnomAD compares: African/African-American, 0.0013%; no homozygotes.

Submission:

Athena Diagnostics
Classification: Uncertain significance. Last evaluated: 2024-11-18. Review status: criteria provided, single submitter. Criteria: Athena Diagnostics Criteria. Collection method: clinical testing. Allele origin: unknown.
Comment: Available data are insufficient to determine the clinical significance of the variant at this time. The frequency of this variant in the general population is uninformative in assessment of its pathogenicity. Polyphen and MutationTaster predict this amino acid change may be benign.

NM_001146262.4(SYT14):c.1655A>G (p.Asn552Ser)

Gene: SYT14 (synaptotagmin 14; plus strand). Cytogenetic location: 1q32.2.
Variant type: single nucleotide variant.
Coding change: c.1655A>G on transcript NM_001146262.4 (MANE Select); coding-DNA position 1655, A replaced by G.
Protein change: p.Asn552Ser; replaces asparagine 552 with serine.
Molecular consequence: missense variant. On other transcripts: non-coding transcript variant (1).
Genome position (GRCh38, 1-based): chr1:210,160,972, A>G. VCF-style: chr1-210160972-A-G. GRCh37 (hg19) VCF-style: chr1-210334317-A-G.
Other names: c.1790A>G, p.Asn597Ser (NM_001146261.4); c.1733A>G, p.Asn578Ser (NM_001146264.4); c.1484A>G, p.Asn495Ser (NM_001256006.3); c.2468A>G, p.Asn823Ser (NM_001397544.1, NM_001397545.1); c.1598A>G, p.Asn533Ser (NM_153262.5); short protein forms N495S, N533S, N552S, N578S, N597S, N823S.
Identifiers: ClinVar variation 1807457 (VCV001807457.2), dbSNP rs1369650662, ClinGen allele CA344611503.
Genomic context (GRCh38, chr1:210,160,972, plus strand): 5'-GAAAAGAGATGATAGGCTGGATTTCTTTAGGTCTCAACAGCTCTGGAGAAGAAGAACTCA[A>G]TCACTGGACTGAAATGAAAGAGTCAAAAGGACAGCAAGTATGTAGATGGCATGCGTTGCT-3'
Protein context (NP_001139734.1, residues 542-562): GLNSSGEEEL[Asn552Ser]HWTEMKESKG